The following is an entry in ClinVar:

NM_006035.4(CDC42BPB):c.1241C>T (p.Ser414Phe)

Gene: CDC42BPB (CDC42 binding protein kinase beta; minus strand). Cytogenetic location: 14q32.32.
Variant type: single nucleotide variant.
Coding change: c.1241C>T on transcript NM_006035.4 (MANE Select); coding-DNA position 1241, C replaced by T.
Protein change: p.Ser414Phe; replaces serine 414 with phenylalanine.
Molecular consequence: missense variant.
Genome position (GRCh38, 1-based): chr14:102,976,029, G>A on the plus strand (C>T on the coding strand, the complement: CDC42BPB is on the minus strand). VCF-style: chr14-102976029-G-A. GRCh37 (hg19) VCF-style: chr14-103442366-G-A.
Other names: c.1241C>T, p.Ser414Phe (NM_001411054.1); short protein forms S414F.
Identifiers: ClinVar variation 1711899 (VCV001711899.2), dbSNP rs1893725711, ClinGen allele CA391089930.

ClinVar aggregate classification (germline): Uncertain significance (1 of 4 stars; one submission).

Submission:

GeneDx
Classification: Uncertain significance. Last evaluated: 2022-04-24. Review status: criteria provided, single submitter. Criteria: GeneDx Variant Classification Process June 2021. Collection method: clinical testing. Allele origin: germline. Affected: yes.
Comment: Not observed at significant frequency in large population cohorts (gnomAD); In silico analysis supports that this missense variant has a deleterious effect on protein structure/function; Has not been previously published as pathogenic or benign to our knowledge